The following is an entry in ClinVar:

NM_173653.4(SLC9A9):c.1226C>G (p.Ala409Gly)

Gene: SLC9A9 (solute carrier family 9 member A9; minus strand). Cytogenetic location: 3q24.
Variant type: single nucleotide variant.
Coding change: c.1226C>G on transcript NM_173653.4 (MANE Select); coding-DNA position 1226, C replaced by G.
Protein change: p.Ala409Gly; replaces alanine 409 with glycine.
Molecular consequence: missense variant.
Genome position (GRCh38, 1-based): chr3:143,493,742, G>C on the plus strand (C>G on the coding strand, the complement: SLC9A9 is on the minus strand). VCF-style: chr3-143493742-G-C. GRCh37 (hg19) VCF-style: chr3-143212584-G-C.
Other names: short protein forms A409G.
Identifiers: ClinVar variation 4819543 (VCV004819543.1).

ClinVar aggregate classification (germline): Likely benign (1 of 4 stars; one submission).

Conditions:
Autism, susceptibility to, 16. Also called: Autism susceptibility 16; AUTISM WITH OR WITHOUT SEIZURES. Identifiers: MedGen C3150677, MONDO:0013258, OMIM 613410.

gnomAD v4.1: 8 of 1,613,976 alleles (0.0005%); highest among the groups gnomAD compares: South Asian, 0.0044%; no homozygotes.

Submission:

Centre for Medical Genetics,  Mumbai
Classification: Likely benign for Autism, susceptibility to, 16. Last evaluated: 2026-03-15. Review status: criteria provided, single submitter. Criteria: ACMG Guidelines, 2015. Collection method: provider interpretation. Allele origin: germline. Inheritance: Autosomal dominant inheritance. Affected: no. Observed: 1 variant allele, 1 heterozygote.
Comment: The variant satisfies PM2 criteria; Extremely low frequency in gnomAD population databases. However, the variant satisfies BS2 criteria.

Literature cited by the submitters: PubMed 18621663.